The following is an entry in ClinVar:

NM_001195305.3(BBIP1):c.112G>A (p.Gly38Arg)

Gene: BBIP1 (BBSome interacting protein 1; minus strand). Cytogenetic location: 10q25.2.
Variant type: single nucleotide variant.
Coding change: c.112G>A on transcript NM_001195305.3 (MANE Select); coding-DNA position 112, G replaced by A.
Protein change: p.Gly38Arg; replaces glycine 38 with arginine.
Molecular consequence: missense variant. On other transcripts: intron variant (1).
Genome position (GRCh38, 1-based): chr10:110,901,538, C>T on the plus strand (G>A on the coding strand, the complement: BBIP1 is on the minus strand). VCF-style: chr10-110901538-C-T. GRCh37 (hg19) VCF-style: chr10-112661296-C-T.
Other names: c.269G>A, p.Arg90Lys (NM_001195304.2); c.112G>A, p.Gly38Arg (NM_001195306.2); c.46G>A, p.Gly16Arg (NM_001243783.3); c.38-1012G>A (NM_001195307.2); short protein forms G16R, G38R, R90K.
Identifiers: ClinVar variation 2028227 (VCV002028227.4), dbSNP rs758966750, ClinGen allele CA378389361.

ClinVar aggregate classification (germline): Uncertain significance (1 of 4 stars; one submission).

Submission:

Labcorp Genetics (formerly Invitae), Labcorp
Classification: Uncertain significance. Last evaluated: 2022-08-31. Review status: criteria provided, single submitter. Criteria: Invitae Variant Classification Sherloc (09022015). Collection method: clinical testing. Allele origin: germline.
Comment: This variant is not present in population databases (gnomAD no frequency). This sequence change replaces glycine, which is neutral and non-polar, with arginine, which is basic and polar, at codon 38 of the BBIP1 protein (p.Gly38Arg). This variant also falls at the last nucleotide of exon 3, which is part of the consensus splice site for this exon. This variant has not been reported in the literature in individuals affected with BBIP1-related conditions. Algorithms developed to predict the effect of missense changes on protein structure and function are either unavailable or do not agree on the potential impact of this missense change (SIFT: "Tolerated"; PolyPhen-2: "Probably Damaging"; Align-GVGD: "Class C25"). Variants that disrupt the consensus splice site are a relatively common cause of aberrant splicing (PMID: 17576681, 9536098). Algorithms developed to predict the effect of sequence changes on RNA splicing suggest that this variant may disrupt the consensus splice site. In summary, the available evidence is currently insufficient to determine the role of this variant in disease. Therefore, it has been classified as a Variant of Uncertain Significance.

Literature cited by the submitters: PubMed 17576681; PubMed 9536098.